The following is an entry in ClinVar:

ClinVar aggregate classification (germline): Conflicting classifications of pathogenicity. Review status: criteria provided, conflicting classifications (1 of 4 stars). 2 submissions from 2 submitters: Uncertain significance (1); Likely benign (1). Last evaluated 2024-03-18.

Conditions:
Familial hypobetalipoproteinemia 1. Also called: Hypobetalipoproteinemia, normotriglyceridemic; Acanthocytosis with hypobetalipoproteinemia; APOB-Related Familial Hypobetalipoproteinemia. Identifiers: MedGen C4551990, MONDO:0014252, OMIM 615558.
Hypercholesterolemia, autosomal dominant, type B (FHCL2). Also called: Familial Hypercholesterolemia Type B; HYPERCHOLESTEROLEMIA, FAMILIAL, DUE TO LIGAND-DEFECTIVE APOLIPOPROTEIN B; Familial hypercholesterolemia 2; APOB-Related Familial Hypercholesterolemia, Autosomal Dominant; APOLIPOPROTEIN B-100, FAMILIAL DEFECTIVE; APOLIPOPROTEIN B-100, FAMILIAL LIGAND-DEFECTIVE. Identifiers: MedGen C1704417, MONDO:0007751, OMIM 144010.
Cardiovascular phenotype. Identifiers: MedGen CN230736.

Allele frequency attached by ClinVar (database versions not stated): gnomAD exomes below 0.00001; gnomAD 0.00005 and 0.00006; TOPMed 0.00008.
gnomAD v4.1: 13 of 1,613,828 alleles (0.00081%); highest among the groups gnomAD compares: Admixed American, 0.017%; no homozygotes.

Submissions (2):

Labcorp Genetics (formerly Invitae), Labcorp
Classification: Likely benign for Familial hypobetalipoproteinemia 1; Hypercholesterolemia, autosomal dominant, type B. Last evaluated: 2024-03-18. Review status: criteria provided, single submitter. Criteria: Invitae Variant Classification Sherloc (09022015). Collection method: clinical testing. Allele origin: germline.

Ambry Genetics
Classification: Uncertain significance for Cardiovascular phenotype. Last evaluated: 2022-07-03. Review status: criteria provided, single submitter. Criteria: Ambry Variant Classification Scheme 2023. Collection method: clinical testing. Allele origin: germline.
Comment: The p.H3951Y variant (also known as c.11851C>T), located in coding exon 27 of the APOB gene, results from a C to T substitution at nucleotide position 11851. The histidine at codon 3951 is replaced by tyrosine, an amino acid with similar properties. This amino acid position is conserved. In addition, the in silico prediction for this alteration is inconclusive. Since supporting evidence is limited at this time, the clinical significance of this alteration remains unclear.

NM_000384.3(APOB):c.11851C>T (p.His3951Tyr)

Gene: APOB (apolipoprotein B; minus strand). Cytogenetic location: 2p24.1.
Variant type: single nucleotide variant.
Coding change: c.11851C>T on transcript NM_000384.3 (MANE Select); coding-DNA position 11851, C replaced by T.
Protein change: p.His3951Tyr; replaces histidine 3951 with tyrosine.
Molecular consequence: missense variant.
Genome position (GRCh38, 1-based): chr2:21,004,613, G>A on the plus strand (C>T on the coding strand, the complement: APOB is on the minus strand). VCF-style: chr2-21004613-G-A. GRCh37 (hg19) VCF-style: chr2-21227485-G-A.
Other names: short protein forms H3951Y.
Identifiers: ClinVar variation 921373 (VCV000921373.7), dbSNP rs1328884551, ClinGen allele CA345976483.